The following is an entry in ClinVar:

ClinVar aggregate classification (germline): Uncertain significance (1 of 4 stars; one submission).

Conditions:
Autosomal dominant limb-girdle muscular dystrophy type 1F (LGMDD2). Also called: Limb-girdle muscular dystrophy, type 1F; MUSCULAR DYSTROPHY, LIMB-GIRDLE, AUTOSOMAL DOMINANT 2. Identifiers: Orphanet 55595, MedGen C1842062, MONDO:0012034, OMIM 608423.

Submission:

Labcorp Genetics (formerly Invitae), Labcorp
Classification: Uncertain significance for Autosomal dominant limb-girdle muscular dystrophy type 1F. Last evaluated: 2023-08-22. Review status: criteria provided, single submitter. Criteria: Invitae Variant Classification Sherloc (09022015). Collection method: clinical testing. Allele origin: germline.
Comment: This sequence change replaces phenylalanine, which is neutral and non-polar, with leucine, which is neutral and non-polar, at codon 611 of the TNPO3 protein (p.Phe611Leu). This variant is not present in population databases (gnomAD no frequency). This variant has not been reported in the literature in individuals affected with TNPO3-related conditions. Advanced modeling of protein sequence and biophysical properties (such as structural, functional, and spatial information, amino acid conservation, physicochemical variation, residue mobility, and thermodynamic stability) performed at Invitae indicates that this missense variant is not expected to disrupt TNPO3 protein function. In summary, the available evidence is currently insufficient to determine the role of this variant in disease. Therefore, it has been classified as a Variant of Uncertain Significance.

NM_012470.4(TNPO3):c.1833C>G (p.Phe611Leu)

Gene: TNPO3 (transportin 3; minus strand). Cytogenetic location: 7q32.1.
Variant type: single nucleotide variant.
Coding change: c.1833C>G on transcript NM_012470.4 (MANE Select); coding-DNA position 1833, C replaced by G.
Protein change: p.Phe611Leu; replaces phenylalanine 611 with leucine.
Molecular consequence: missense variant. On other transcripts: non-coding transcript variant (16).
Genome position (GRCh38, 1-based): chr7:128,982,274, G>C on the plus strand (C>G on the coding strand, the complement: TNPO3 is on the minus strand). VCF-style: chr7-128982274-G-C. GRCh37 (hg19) VCF-style: chr7-128622328-G-C.
Other names: c.1641C>G, p.Phe547Leu (NM_001191028.3, NM_001382223.1); c.1935C>G, p.Phe645Leu (NM_001382216.1); c.1914C>G, p.Phe638Leu (NM_001382217.1); c.1833C>G, p.Phe611Leu (NM_001382218.1, NM_001382220.1); c.1725C>G, p.Phe575Leu (NM_001382219.1); c.1689C>G, p.Phe563Leu (NM_001382221.1); c.1686C>G, p.Phe562Leu (NM_001382222.1); short protein forms F547L, F611L, F645L, F562L, F563L, F638L, F575L.
Identifiers: ClinVar variation 2754415 (VCV002754415.3), dbSNP rs1194178900, ClinGen allele CA369223970.